The following is an entry in ClinVar:

ClinVar aggregate classification (germline): Likely benign (1 of 4 stars; one submission).

Allele frequency attached by ClinVar (database versions not stated): gnomAD exomes below 0.00001.
gnomAD v4.1: 1 of 1,614,158 alleles (0.000062%); highest among the groups gnomAD compares: Non-Finnish European, 0.000085%; no homozygotes.

Submission:

CeGaT Center for Human Genetics Tuebingen
Classification: Likely benign. Last evaluated: 2024-01-01. Review status: criteria provided, single submitter. Criteria: CeGaT Center For Human Genetics Tuebingen Variant Classification Criteria Version 2. Collection method: clinical testing. Allele origin: germline. Affected: yes. Observed: 1 variant allele.
Comment: VPS13C: PM2:Supporting, BP4, BP7

NM_020821.3(VPS13C):c.6147T>C (p.Tyr2049=)

Gene: VPS13C (vacuolar protein sorting 13 homolog C; minus strand). Cytogenetic location: 15q22.2.
Variant type: single nucleotide variant.
Coding change: c.6147T>C on transcript NM_020821.3 (MANE Select); coding-DNA position 6147, T replaced by C.
Protein change: p.Tyr2049=; no amino-acid change (tyrosine 2049 retained).
Molecular consequence: synonymous variant.
Genome position (GRCh38, 1-based): chr15:61,929,640, A>G on the plus strand (T>C on the coding strand, the complement: VPS13C is on the minus strand). VCF-style: chr15-61929640-A-G. GRCh37 (hg19) VCF-style: chr15-62221839-A-G.
Other names: c.6147T>C, p.Tyr2049= (NM_001018088.3); c.6018T>C, p.Tyr2006= (NM_017684.5, NM_018080.4).
Identifiers: ClinVar variation 3025188 (VCV003025188.22), dbSNP rs2547898821, ClinGen allele CA490888604.
Genomic context (GRCh38, chr15:61,929,640, plus strand): 5'-AGGCACAGCTTTGATAAAGAAATCTGCCACAGTCATCAGAAATTCCACACTGGCACATAC[A>G]TACAGCTTGTCAAGAACAGCATCAATTTGACTTCCATTTTTGTCTTGTTTGTAACTTATA-3'
Protein context (NP_065872.1, residues 2039-2059): SQIDAVLDKL[Tyr2049=]VCASVEFLMT